The following is an entry in ClinVar:

ClinVar aggregate classification (germline): Pathogenic (1 of 4 stars; one submission).

Conditions:
Polycystic kidney disease, adult type (PKD1). Also called: Polycystic Kidney, Autosomal Dominant; Polycystic Kidney Disease 1, Autosomal Dominant; Polycystic kidney disease 1; Polycystic kidney disease 1, severe; POLYCYSTIC KIDNEY DISEASE, ADULT, TYPE I; POLYCYSTIC KIDNEY DISEASE 1 WITH OR WITHOUT POLYCYSTIC LIVER DISEASE. Identifiers: MedGen C3149841, MONDO:0008263, OMIM 173900.

Submission:

Women's Health and Genetics/Laboratory Corporation of America, LabCorp
Classification: Pathogenic for Polycystic kidney disease, adult type. Last evaluated: 2025-10-22. Review status: criteria provided, single submitter. Criteria: LabCorp Variant Classification Summary - May 2015. Collection method: clinical testing. Allele origin: germline.
Comment: Variant summary: PKD1 c.11248C>G (p.Arg3750Gly) results in a non-conservative amino acid change in the encoded protein sequence. Algorithms developed to predict the effect of missense changes on protein structure and function all suggest that this variant is likely to be disruptive. At least one publication reports experimental evidence that this variant affects mRNA splicing (Liu_2023). The frequency data for this variant in gnomAD is considered unreliable, as metrics indicate poor data quality at this position. c.11248C>G has been observed in individuals affected with Polycystic Kidney Disease 1 (Choi_2014, Obeidova_2014, He_2018). These data indicate that the variant is likely to be associated with disease. A different variant affecting the same codon has been classified as pathogenic by our lab (c.11249G>A, p.Arg3750Gln), supporting the critical relevance of codon 3750 to PKD1 protein function. No submitters have cited clinical-significance assessments for this variant to ClinVar. Based on the evidence outlined above, the variant was classified as pathogenic.

Literature cited by the submitters: PubMed 24694054; PubMed 30333007; PubMed 37468838; PubMed 25491204.

NM_001009944.3(PKD1):c.11248C>G (p.Arg3750Gly)

Genes: PKD1 (polycystin 1, transient receptor potential channel interacting; minus strand), PKD1-AS1 (PKD1 antisense RNA 1; plus strand). Cytogenetic location: 16p13.3.
Variant type: single nucleotide variant.
Coding change: c.11248C>G on transcript NM_001009944.3 (MANE Select); coding-DNA position 11248, C replaced by G.
Protein change: p.Arg3750Gly; replaces arginine 3750 with glycine.
Molecular consequence: missense variant.
Genome position (GRCh38, 1-based): chr16:2,092,501, G>C on the plus strand (C>G on the coding strand, the complement: PKD1 is on the minus strand). VCF-style: chr16-2092501-G-C. GRCh37 (hg19) VCF-style: chr16-2142502-G-C.
Other names: c.11245C>G, p.Arg3749Gly (NM_000296.4); short protein forms R3749G, R3750G.
Identifiers: ClinVar variation 4687835 (VCV004687835.1).